The following is an entry in ClinVar:

NM_014516.4(CNOT3):c.145AAG[1] (p.Lys50del)

Gene: CNOT3 (CCR4-NOT transcription complex subunit 3; plus strand). Cytogenetic location: 19q13.42.
Variant type: Microsatellite.
Coding change: c.145AAG[1] on transcript NM_014516.4 (MANE Select); one copy of the 3-base unit AAG starting at c.145; the reference has two copies in a row; one copy, 3 bases deleted; also written c.148_150del.
Protein change: p.Lys50del; deletes lysine 50.
Molecular consequence: inframe deletion.
Genome position (GRCh38, 1-based): chr19:54,143,496-54,143,498, AAG deleted; deleting any 3 consecutive bases within chr19:54,143,493-54,143,498 gives the same sequence; the position shown is the placement nearest the transcript's 3' end. VCF-style (leftmost placement, unchanged base first): chr19-54143492-AAAG-A. GRCh37 (hg19) VCF-style: chr19-54647228-AAAG-A.
Other names: c.148_150del (NM_014516.4); short protein forms K50del.
Identifiers: ClinVar variation 1709920 (VCV001709920.2), dbSNP rs2517256882, ClinGen allele CA2580614971.

ClinVar aggregate classification (germline): Likely pathogenic (1 of 4 stars; one submission).

Conditions:
Intellectual developmental disorder with speech delay, autism, and dysmorphic facies. Identifiers: MedGen C5231456, MONDO:0032864, OMIM 618672.

Submission:

MGZ Medical Genetics Center
Classification: Likely pathogenic for Intellectual developmental disorder with speech delay, autism, and dysmorphic facies. Last evaluated: 2021-09-17. Review status: criteria provided, single submitter. Criteria: ACMG Guidelines, 2015. Collection method: clinical testing. Allele origin: germline. Affected: yes. Observed: 1 variant allele.
Comment: ACMG criteria applied: PM1, PM4, PM2_SUP, PP3